The following is an entry in ClinVar:

ClinVar aggregate classification (germline): Uncertain significance. Review status: criteria provided, multiple submitters, no conflicts (2 of 4 stars). 2 submissions from 2 submitters: Uncertain significance (2). Last evaluated 2025-11-17.

Conditions:
Inborn genetic diseases. Identifiers: MedGen C0950123, MeSH D030342.

Submissions (2):

Labcorp Genetics (formerly Invitae), Labcorp
Classification: Uncertain significance. Last evaluated: 2025-11-17. Review status: criteria provided, single submitter. Criteria: Invitae Variant Classification Sherloc (09022015). Collection method: clinical testing. Allele origin: germline.
Comment: This sequence change replaces glutamic acid, which is acidic and polar, with aspartic acid, which is acidic and polar, at codon 781 of the CDH2 protein (p.Glu781Asp). This variant is not present in population databases (gnomAD no frequency). This variant has not been reported in the literature in individuals affected with CDH2-related conditions. ClinVar contains an entry for this variant (Variation ID: 1789892). An algorithm developed to predict the effect of missense changes on protein structure and function (PolyPhen-2) suggests that this variant is likely to be disruptive. In summary, the available evidence is currently insufficient to determine the role of this variant in disease. Therefore, it has been classified as a Variant of Uncertain Significance.

Ambry Genetics
Classification: Uncertain significance for Inborn genetic diseases. Last evaluated: 2022-03-07. Review status: criteria provided, single submitter. Criteria: Ambry Variant Classification Scheme 2023. Collection method: clinical testing. Allele origin: germline.
Comment: The p.E781D variant (also known as c.2343A>C), located in coding exon 14 of the CDH2 gene, results from an A to C substitution at nucleotide position 2343. The glutamic acid at codon 781 is replaced by aspartic acid, an amino acid with highly similar properties. This amino acid position is conserved. In addition, the in silico prediction for this alteration is inconclusive. Since supporting evidence is limited at this time, the clinical significance of this alteration remains unclear.

NM_001792.5(CDH2):c.2343A>C (p.Glu781Asp)

Gene: CDH2 (cadherin 2; minus strand). Cytogenetic location: 18q12.1.
Variant type: single nucleotide variant.
Coding change: c.2343A>C on transcript NM_001792.5 (MANE Select); coding-DNA position 2343, A replaced by C.
Protein change: p.Glu781Asp; replaces glutamic acid 781 with aspartic acid.
Molecular consequence: missense variant.
Genome position (GRCh38, 1-based): chr18:27,982,950, T>G on the plus strand (A>C on the coding strand, the complement: CDH2 is on the minus strand). VCF-style: chr18-27982950-T-G. GRCh37 (hg19) VCF-style: chr18-25562914-T-G.
Other names: c.2250A>C, p.Glu750Asp (NM_001308176.2); short protein forms E750D, E781D.
Identifiers: ClinVar variation 1789892 (VCV001789892.3), dbSNP rs2510790510, ClinGen allele CA402106096.